The following is an entry in ClinVar:

NM_000277.3(PAH):c.460T>A (p.Tyr154Asn)

Gene: PAH (phenylalanine hydroxylase; minus strand). Cytogenetic location: 12q23.2.
Variant type: single nucleotide variant.
Coding change: c.460T>A on transcript NM_000277.3 (MANE Select); coding-DNA position 460, T replaced by A.
Protein change: p.Tyr154Asn; replaces tyrosine 154 with asparagine.
Molecular consequence: missense variant.
Genome position (GRCh38, 1-based): chr12:102,866,645, A>T on the plus strand (T>A on the coding strand, the complement: PAH is on the minus strand). VCF-style: chr12-102866645-A-T. GRCh37 (hg19) VCF-style: chr12-103260423-A-T.
Other names: c.460T>A, p.Tyr154Asn (NM_001354304.2); short protein forms Y154N.
Identifiers: ClinVar variation 102684 (VCV000102684.2), dbSNP rs199475587, ClinGen allele CA229556.
Genomic context (GRCh38, chr12:102,866,645, plus strand): 5'-GGCAGACTTACTGGCGGTAGTTGTAGGCAATGTCAGCAAACTGCTTCCGTCTTGCACGGT[A>T]CACAGGATCTTTAAAACCCTAGGAGAAAAGAGACACCTGATTTTTCAAGGCTTCATAGGA-3'
Protein context (NP_000268.1, residues 144-164): ADHPGFKDPV[Tyr154Asn]RARRKQFADI

ClinVar aggregate classification (germline): Uncertain significance. Review status: reviewed by expert panel (3 of 4 stars). 2 submissions from 2 submitters: Uncertain significance (1). 1 of the submissions does not count toward it. Last evaluated 2020-01-26.

Conditions:
Phenylketonuria (PKU). Also called: Phenylketonuria (PKU); FOLLING DISEASE; OLIGOPHRENIA PHENYLPYRUVICA; Phenylketonurias. Identifiers: Orphanet 716, MedGen C0031485, MONDO:0009861, OMIM 261600. Disease mechanism: loss of function.

Submissions (2):

ClinGen PAH Variant Curation Expert Panel
Classification: Uncertain significance for Phenylketonuria. Last evaluated: 2020-01-26. Review status: reviewed by expert panel. Criteria: ClinGen PAH ACMG Specifications v1. Collection method: curation. Allele origin: germline. Inheritance: Autosomal recessive inheritance.
Comment: The c.460T>A (p.Tyr154Asn) variant in PAH has not been reported in a patient with PKU in the literature. It was reported to the PAH database (McGill University) by Guldberg in 1994. This variant is absent from population databases. Multiple lines of computational evidence support a deleterious effect. In summary, this variant meets criteria to be classified as uncertain significance for PAH. PAH-specific ACMG/AMP criteria applied: PM2, PP3.

DeBelle Laboratory for Biochemical Genetics, MUHC/MCH RESEARCH INSTITUTE
No classification provided. Review status: no classification provided. Collection method: not provided. Allele origin: not provided. Not counted in ClinVar's aggregate classification.